The following is an entry in ClinVar:

ClinVar aggregate classification (germline): Likely pathogenic (1 of 4 stars; one submission).

Conditions:
Cardiovascular phenotype. Identifiers: MedGen CN230736.

Submission:

Ambry Genetics
Classification: Likely pathogenic for Cardiovascular phenotype. Last evaluated: 2023-09-01. Review status: criteria provided, single submitter. Criteria: Ambry Variant Classification Scheme 2023. Collection method: clinical testing. Allele origin: germline.
Comment: The c.78418_78419delAA variant, located in coding exon 185 of the TTN gene, results from a deletion of two nucleotides at nucleotide positions 78418 to 78419, causing a translational frameshift with a predicted alternate stop codon (p.N26140Qfs*2). This exon is located in the M-band region of the N2-B isoform of the titin protein and is constitutively expressed in TTN transcripts (percent spliced in or PSI 100%). This alteration is expected to result in loss of function by premature protein truncation or nonsense-mediated mRNA decay. While truncating variants in TTN are present in 1-3% of the general population, truncating variants in the M-band have been reported in association with autosomal recessive titinopathies, primarily presenting with skeletal myopathy phenotypes (Ceyhan-Birsoy O et al. Neurology. 2013 Oct 1;81(14):1205-14; De Cid R et al. Neurology. 2015;85(24):2126-35). In addition, regardless of their position, TTN truncating variants encoded in constitutive exons (PSI >90%) have been found to be significantly associated with dilated cardiomyopathy (DCM), though truncating variants in the A-band are the most common cause of DCM (Herman DS et al. N. Engl. J. Med., 2012 Feb;366:619- 28; Roberts AM et al. Sci Transl Med, 2015 Jan;7:270ra6; Schafer S et al. Nat. Genet., 2017 01;49:46-53). This variant is considered to be rare based on population cohorts in the Genome Aggregation Database (gnomAD). Based on the majority of available evidence to date, this variant is likely to be pathogenic in association with autosomal recessive titinopathy; however, the clinical significance of this alteration with respect to cardiomyopathy remains unclear.

NM_001267550.2(TTN):c.105613_105614del (p.Asn35205fs)

Genes: TTN (titin; minus strand), TTN-AS1 (TTN antisense RNA 1; plus strand), LOC129935183 (ATAC-STARR-seq lymphoblastoid active region 16808; plus strand). Cytogenetic location: 2q31.2.
Variant type: Deletion.
Coding change: c.105613_105614del on transcript NM_001267550.2 (MANE Select); coding-DNA positions 105613 to 105614, 2 bases deleted (AA; older notation c.105613_105614delAA).
Protein change: p.Asn35205fs; shifts the reading frame from asparagine 35205.
Molecular consequence: frameshift variant.
Genome position (GRCh38, 1-based): chr2:178,531,001-178,531,002, TT deleted on the plus strand (AA on the coding strand, the reverse complement: TTN is on the minus strand); deleting any 2 consecutive bases within chr2:178,531,001-178,531,004 gives the same sequence; the c. name uses the placement nearest the transcript's 3' end. VCF-style (leftmost placement, unchanged base first): chr2-178531000-GTT-G. GRCh37 (hg19) VCF-style: chr2-179395727-GTT-G.
Other names: c.100690_100691del, p.Asn33564fs (NM_001256850.1); c.78418_78419del, p.Asn26140fs (NM_003319.4); c.97909_97910del, p.Asn32637fs (NM_133378.4); c.78793_78794del, p.Asn26265fs (NM_133432.3); c.78994_78995del, p.Asn26332fs (NM_133437.4); c.78418_78419delAA (NM_003319.4); short protein forms N26265fs, N26332fs, N33564fs, N32637fs, N35205fs, N26140fs.
Identifiers: ClinVar variation 2586574 (VCV002586574.2), dbSNP rs2154133153, ClinGen allele CA2582342041.